The following is an entry in ClinVar:

ClinVar aggregate classification (germline): not provided (0 of 4 stars; one submission).

Submission:

Medical Genetics Unit, Ain Shams University Pediatrics Hospital
No classification provided. Review status: no classification provided. Collection method: not provided. Allele origin: not provided.
Comment: Methylmalonic aciduria

NM_000255.4(MMUT):c.-6T>A

Gene: MMUT (methylmalonyl-CoA mutase; minus strand). Cytogenetic location: 6p12.3.
Variant type: single nucleotide variant.
Coding change: c.-6T>A on transcript NM_000255.4 (MANE Select); 6 bases upstream of the start codon, T replaced by A.
Molecular consequence: 5 prime UTR variant.
Genome position (GRCh38, 1-based): chr6:49,459,472, A>T on the plus strand (T>A on the coding strand, the complement: MMUT is on the minus strand). VCF-style: chr6-49459472-A-T. GRCh37 (hg19) VCF-style: chr6-49427185-A-T.
Other names: KC594079.1; KC594096.1.
Identifiers: ClinVar variation 100703 (VCV000100703.1), dbSNP rs483352782, ClinGen allele CA235516.